The following is an entry in ClinVar:

NM_006939.4(SOS2):c.2284C>A (p.His762Asn)

Gene: SOS2 (SOS Ras/Rho guanine nucleotide exchange factor 2; minus strand). Cytogenetic location: 14q21.3.
Variant type: single nucleotide variant.
Coding change: c.2284C>A on transcript NM_006939.4 (MANE Select); coding-DNA position 2284, C replaced by A.
Protein change: p.His762Asn; replaces histidine 762 with asparagine.
Molecular consequence: missense variant.
Genome position (GRCh38, 1-based): chr14:50,150,108, G>T on the plus strand (C>A on the coding strand, the complement: SOS2 is on the minus strand). VCF-style: chr14-50150108-G-T. GRCh37 (hg19) VCF-style: chr14-50616826-G-T.
Other names: c.2185C>A, p.His729Asn (NM_001411020.1); short protein forms H762N, H729N.
Identifiers: ClinVar variation 2812968 (VCV002812968.3), dbSNP rs2502942256, ClinGen allele CA389643800.

ClinVar aggregate classification (germline): Uncertain significance (1 of 4 stars; one submission).

Conditions:
Noonan syndrome 9 (NS9). Identifiers: Orphanet 648, MedGen C4225282, MONDO:0014691, OMIM 616559.

Submission:

Labcorp Genetics (formerly Invitae), Labcorp
Classification: Uncertain significance for Noonan syndrome 9. Last evaluated: 2022-11-08. Review status: criteria provided, single submitter. Criteria: Invitae Variant Classification Sherloc (09022015). Collection method: clinical testing. Allele origin: germline.
Comment: This sequence change replaces histidine, which is basic and polar, with asparagine, which is neutral and polar, at codon 762 of the SOS2 protein (p.His762Asn). In summary, the available evidence is currently insufficient to determine the role of this variant in disease. Therefore, it has been classified as a Variant of Uncertain Significance. Advanced modeling of protein sequence and biophysical properties (such as structural, functional, and spatial information, amino acid conservation, physicochemical variation, residue mobility, and thermodynamic stability) performed at Invitae indicates that this missense variant is expected to disrupt SOS2 protein function. This variant has not been reported in the literature in individuals affected with SOS2-related conditions. This variant is not present in population databases (gnomAD no frequency).